The following is an entry in ClinVar:

NM_002296.4(LBR):c.635T>C (p.Val212Ala)

Gene: LBR (lamin B receptor; minus strand). Cytogenetic location: 1q42.12.
Variant type: single nucleotide variant.
Coding change: c.635T>C on transcript NM_002296.4 (MANE Select); coding-DNA position 635, T replaced by C.
Protein change: p.Val212Ala; replaces valine 212 with alanine.
Molecular consequence: missense variant.
Genome position (GRCh38, 1-based): chr1:225,419,268, A>G on the plus strand (T>C on the coding strand, the complement: LBR is on the minus strand). VCF-style: chr1-225419268-A-G. GRCh37 (hg19) VCF-style: chr1-225606970-A-G.
Other names: c.635T>C, p.Val212Ala (NM_194442.3); short protein forms V212A.
Identifiers: ClinVar variation 3619409 (VCV003619409.2).

ClinVar aggregate classification (germline): Uncertain significance (1 of 4 stars; one submission).

gnomAD v4.1: 5 of 1,613,854 alleles (0.00031%); highest among the groups gnomAD compares: Admixed American, 0.0067%; no homozygotes.

Submission:

Labcorp Genetics (formerly Invitae), Labcorp
Classification: Uncertain significance. Last evaluated: 2024-02-06. Review status: criteria provided, single submitter. Criteria: Invitae Variant Classification Sherloc (09022015). Collection method: clinical testing. Allele origin: germline.
Comment: This sequence change replaces valine, which is neutral and non-polar, with alanine, which is neutral and non-polar, at codon 212 of the LBR protein (p.Val212Ala). This variant is present in population databases (no rsID available, gnomAD 0.003%). This variant has not been reported in the literature in individuals affected with LBR-related conditions. Advanced modeling of protein sequence and biophysical properties (such as structural, functional, and spatial information, amino acid conservation, physicochemical variation, residue mobility, and thermodynamic stability) performed at Invitae indicates that this missense variant is not expected to disrupt LBR protein function with a negative predictive value of 80%. In summary, the available evidence is currently insufficient to determine the role of this variant in disease. Therefore, it has been classified as a Variant of Uncertain Significance.